The following is an entry in ClinVar:

ClinVar aggregate classification (germline): Uncertain significance. Review status: criteria provided, multiple submitters, no conflicts (2 of 4 stars). 2 submissions from 2 submitters: Uncertain significance (2). Last evaluated 2026-01-04.

Conditions:
Hereditary cancer-predisposing syndrome. Also called: Hereditary neoplastic syndrome; Hereditary Cancer Syndrome; Tumor predisposition; Neoplastic Syndromes, Hereditary. Identifiers: Orphanet 140162, MedGen C0027672, MeSH D009386, MONDO:0015356.
Familial adenomatous polyposis 1 (FAP1). Also called: FAMILIAL ADENOMATOUS POLYPOSIS 1, ATTENUATED; POLYPOSIS, ADENOMATOUS INTESTINAL. Identifiers: MedGen C2713442, MONDO:0021056, OMIM 175100. Disease mechanism: loss of function.

Submissions (2):

Labcorp Genetics (formerly Invitae), Labcorp
Classification: Uncertain significance for Familial adenomatous polyposis 1. Last evaluated: 2026-01-04. Review status: criteria provided, single submitter. Criteria: Invitae Variant Classification Sherloc (09022015). Collection method: clinical testing. Allele origin: germline.
Comment: This sequence change replaces proline, which is neutral and non-polar, with serine, which is neutral and polar, at codon 2681 of the APC protein (p.Pro2681Ser). This variant is not present in population databases (gnomAD no frequency). This variant has not been reported in the literature in individuals affected with APC-related conditions. ClinVar contains an entry for this variant (Variation ID: 1522329). Invitae Evidence Modeling of protein sequence and biophysical properties (such as structural, functional, and spatial information, amino acid conservation, physicochemical variation, residue mobility, and thermodynamic stability) indicates that this missense variant is not expected to disrupt APC protein function with a negative predictive value of 95%. In summary, the available evidence is currently insufficient to determine the role of this variant in disease. Therefore, it has been classified as a Variant of Uncertain Significance.

Ambry Genetics
Classification: Uncertain significance for Hereditary cancer-predisposing syndrome. Last evaluated: 2024-03-01. Review status: criteria provided, single submitter. Criteria: Ambry Variant Classification Scheme 2023. Collection method: clinical testing. Allele origin: germline.
Comment: The p.P2681S variant (also known as c.8041C>T), located in coding exon 15 of the APC gene, results from a C to T substitution at nucleotide position 8041. The proline at codon 2681 is replaced by serine, an amino acid with similar properties. This amino acid position is highly conserved in available vertebrate species. In addition, in silico predictors for this gene do not accurately predict pathogenicity. Since supporting evidence is limited at this time, the clinical significance of this alteration remains unclear.

NM_000038.6(APC):c.8041C>T (p.Pro2681Ser)

Gene: APC (APC regulator of Wnt signaling pathway; plus strand). Cytogenetic location: 5q22.2.
Variant type: single nucleotide variant.
Coding change: c.8041C>T on transcript NM_000038.6 (MANE Select); coding-DNA position 8041, C replaced by T.
Protein change: p.Pro2681Ser; replaces proline 2681 with serine.
Molecular consequence: missense variant.
Genome position (GRCh38, 1-based): chr5:112,843,635, C>T. VCF-style: chr5-112843635-C-T. GRCh37 (hg19) VCF-style: chr5-112179332-C-T.
Other names: c.7738C>T, p.Pro2580Ser (NM_001354903.2); c.7663C>T, p.Pro2555Ser (NM_001354904.2); c.7561C>T, p.Pro2521Ser (NM_001354905.2); c.7192C>T, p.Pro2398Ser (NM_001354906.2); c.8041C>T, p.Pro2681Ser (NM_001127510.3, NM_001354895.2); c.7987C>T, p.Pro2663Ser (NM_001127511.3); c.8095C>T, p.Pro2699Ser (NM_001354896.2); c.8071C>T, p.Pro2691Ser (NM_001354897.2); and 5 more; short protein forms P2398S, P2521S, P2555S, P2653S, P2699S, P2622S, P2640S, P2656S.
Identifiers: ClinVar variation 1522329 (VCV001522329.8), dbSNP rs1766630829, ClinGen allele CA16038791.